The following is an entry in ClinVar:

NC_012920.1(MT-TD):m.7552A>G

Gene: MT-TD (mitochondrially encoded tRNA aspartic acid; plus strand).
Variant type: single nucleotide variant.
Genome position: chrM-7552-A-G.
Identifiers: ClinVar variation 690045 (VCV000690045.1), dbSNP rs1603221008, ClinGen allele CA913177386.

ClinVar aggregate classification (germline): Likely benign (1 of 4 stars; one submission).

Conditions:
MELAS syndrome (MELAS). Also called: Juvenile myopathy, encephalopathy, lactic acidosis, stroke. Identifiers: Orphanet 550, MedGen C0162671, MONDO:0010789, OMIM 540000.

Submission:

Wong Mito Lab, Molecular and Human Genetics, Baylor College of Medicine
Classification: Likely benign for MELAS syndrome. Last evaluated: 2019-07-12. Review status: criteria provided, single submitter. Criteria: Modified ACMG Guidelines (Unpublished). Collection method: clinical testing. Allele origin: germline.
Comment: The NC_012920.1:m.7552A>G variant in MT-TD gene is interpreted to be a Likely Benign variant based on the modified ACMG guidelines (unpublished). This variant meets the following evidence codes reported in the guidelines: BP4, BP5, BP6

Literature cited by the submitters: PubMed 31965079.